The following is an entry in ClinVar:

ClinVar aggregate classification (germline): Conflicting classifications of pathogenicity. Review status: criteria provided, conflicting classifications (1 of 4 stars). 4 submissions from 4 submitters: Uncertain significance (1); Likely benign (1). 2 of the submissions do not count toward it. Last evaluated 2026-01-24.

Conditions:
ALDOB-related disorder. Also called: ALDOB-related condition.
Hereditary fructosuria. Also called: ALDOB DEFICIENCY; ALDOLASE B DEFICIENCY; FRUCTOSE-1,6-BISPHOSPHATE ALDOLASE B DEFICIENCY; FRUCTOSE-1-PHOSPHATE ALDOLASE DEFICIENCY; FRUCTOSEMIA; Hereditary fructose intolerance. Identifiers: Orphanet 469, MedGen C0016751, MONDO:0009249, OMIM 229600, HP:0005973. Disease mechanism: loss of function.

Allele frequency attached by ClinVar (database versions not stated): gnomAD exomes 0.00002 and 0.00004; ExAC 0.00003; ESP Exome Variant Server 0.00008; gnomAD 0.00016 and 0.00018; TOPMed 0.00023.
gnomAD v4.1: 47 of 1,613,386 alleles (0.0029%); highest among the groups gnomAD compares: African/African-American, 0.061%; no homozygotes.

Submissions (4):

Labcorp Genetics (formerly Invitae), Labcorp
Classification: Likely benign for Hereditary fructosuria. Last evaluated: 2026-01-24. Review status: criteria provided, single submitter. Criteria: Invitae Variant Classification Sherloc (09022015). Collection method: clinical testing. Allele origin: germline.

Eurofins Ntd Llc (ga)
Classification: Uncertain significance. Last evaluated: 2018-04-19. Review status: criteria provided, single submitter. Criteria: EGL ClinVar v180209 classification definitions. Collection method: clinical testing. Allele origin: germline. Observed: 1 variant allele, 1 heterozygote.

PreventionGenetics, part of Exact Sciences
Classification: Likely benign for ALDOB-related condition. Last evaluated: 2021-03-29. Review status: no assertion criteria provided. Collection method: clinical testing. Allele origin: germline. Not counted in ClinVar's aggregate classification.
Comment: This variant is classified as likely benign based on ACMG/AMP sequence variant interpretation guidelines (Richards et al. 2015 PMID: 25741868, with internal and published modifications).

Natera, Inc.
Classification: Likely benign for Fructose intolerance. Last evaluated: 2020-08-07. Review status: no assertion criteria provided. Collection method: clinical testing. Allele origin: germline. Not counted in ClinVar's aggregate classification.

NM_000035.4(ALDOB):c.582T>C (p.Asp194=)

Gene: ALDOB (aldolase, fructose-bisphosphate B; minus strand). Cytogenetic location: 9q31.1.
Variant type: single nucleotide variant.
Coding change: c.582T>C on transcript NM_000035.4 (MANE Select); coding-DNA position 582, T replaced by C.
Protein change: p.Asp194=; no amino-acid change (aspartic acid 194 retained).
Molecular consequence: synonymous variant.
Genome position (GRCh38, 1-based): chr9:101,426,597, A>G on the plus strand (T>C on the coding strand, the complement: ALDOB is on the minus strand). VCF-style: chr9-101426597-A-G. GRCh37 (hg19) VCF-style: chr9-104188879-A-G.
Other names: c.582T>C, p.Asp194= (LRG_1244t1).
Identifiers: ClinVar variation 596895 (VCV000596895.19), dbSNP rs141988626, ClinGen allele CA5161530.